The following is an entry in ClinVar:

NM_000517.6(HBA2):c.135_142del (p.His46fs)

Genes: HBA2 (hemoglobin subunit alpha 2; plus strand), LOC106804612 (hemoglobin subunit alpha 2 recombination region; plus strand). Cytogenetic location: 16p13.3.
Variant type: Deletion.
Coding change: c.135_142del on transcript NM_000517.6 (MANE Select); coding-DNA positions 135 to 142, 8 bases deleted (GCACTTCG; older notation c.135_142delGCACTTCG).
Protein change: p.His46fs; shifts the reading frame from histidine 46.
Molecular consequence: frameshift variant.
Genome position (GRCh38, 1-based): chr16:173,164-173,171, GCACTTCG deleted. VCF-style (leftmost placement, unchanged base first): chr16-173163-CGCACTTCG-C. GRCh37 (hg19) VCF-style: chr16-223162-CGCACTTCG-C.
Other names: short protein forms H46fs.
Identifiers: ClinVar variation 4818626 (VCV004818626.1).
Genomic context (GRCh38, chr16:173,163, plus strand): 5'-CTCACTCTGCTTCTCCCCGCAGGATGTTCCTGTCCTTCCCCACCACCAAGACCTACTTCC[CGCACTTCG>C]ACCTGAGCCACGGCTCTGCCCAGGTTAAGGGCCACGGCAAGAAGGTGGCCGACGCGCTGA-3'

ClinVar aggregate classification (germline): Likely pathogenic (1 of 4 stars; one submission).

Conditions:
alpha Thalassemia. Also called: Alpha thalassemia spectrum. Identifiers: Orphanet 846, MedGen C0002312, MONDO:0011399, OMIM 604131.

Submission:

Natera, Inc.
Classification: Likely pathogenic for Alpha thalassemia. Last evaluated: 2025-11-16. Review status: criteria provided, single submitter. Criteria: Natera Variant Classification Schema (03/2026). Collection method: clinical testing. Allele origin: germline.
Comment: The c.135_142del variant in HBA2 is a frameshift variant predicted to shift the reading frame beginning at codon 46 and leads to a stop codon 9 codons downstream. This variant is expected to result in nonsense mediated decay, truncation, or a dysfunctional protein product. This variant is rare in the general population with a frequency below the threshold expected for the associated phenotype(s). Given the available evidence, this variant is classified as Likely Pathogenic.